The following is an entry in ClinVar:

ClinVar aggregate classification (germline): Likely pathogenic (1 of 4 stars; one submission).

Submission:

Labcorp Genetics (formerly Invitae), Labcorp
Classification: Likely pathogenic. Last evaluated: 2024-04-01. Review status: criteria provided, single submitter. Criteria: Invitae Variant Classification Sherloc (09022015). Collection method: clinical testing. Allele origin: germline.
Comment: This sequence change affects a donor splice site in intron 30 of the KMT2A gene. It is expected to disrupt RNA splicing. Variants that disrupt the donor or acceptor splice site typically lead to a loss of protein function (PMID: 16199547), and loss-of-function variants in KMT2A are known to be pathogenic (PMID: 22795537, 25810209, 29574747). This variant is not present in population databases (gnomAD no frequency). This variant has not been reported in the literature in individuals affected with KMT2A-related conditions. ClinVar contains an entry for this variant (Variation ID: 1514426). Algorithms developed to predict the effect of sequence changes on RNA splicing suggest that this variant may disrupt the consensus splice site. In summary, the currently available evidence indicates that the variant is pathogenic, but additional data are needed to prove that conclusively. Therefore, this variant has been classified as Likely Pathogenic.

Literature cited by the submitters: PubMed 16199547; PubMed 22795537; PubMed 25810209; PubMed 29574747.

NM_001197104.2(KMT2A):c.11071+2T>C

Gene: KMT2A (lysine methyltransferase 2A; plus strand). Cytogenetic location: 11q23.3.
Variant type: single nucleotide variant.
Coding change: c.11071+2T>C on transcript NM_001197104.2 (MANE Select); the canonical splice donor site of the intron after coding-DNA position 11071, T replaced by C.
Molecular consequence: splice donor variant.
Genome position (GRCh38, 1-based): chr11:118,510,120, T>C. VCF-style: chr11-118510120-T-C. GRCh37 (hg19) VCF-style: chr11-118380835-T-C.
Other names: c.11161+2T>C (NM_001412597.1); c.11062+2T>C (NM_005933.4).
Identifiers: ClinVar variation 1514426 (VCV001514426.6), dbSNP rs2134431662, ClinGen allele CA382830231.